The following is an entry in ClinVar:

ClinVar aggregate classification (germline): Uncertain significance (1 of 4 stars; one submission).

Conditions:
Mitochondrial trifunctional protein deficiency. Identifiers: Orphanet 746, MedGen C1969443, MONDO:0012172.

Allele frequency attached by ClinVar (database versions not stated): gnomAD exomes below 0.00001; TOPMed 0.00001.
gnomAD v4.1: 2 of 1,531,674 alleles (0.00013%); highest among the groups gnomAD compares: African/African-American, 0.0027%; no homozygotes.

Submission:

Labcorp Genetics (formerly Invitae), Labcorp
Classification: Uncertain significance for Mitochondrial trifunctional protein deficiency. Last evaluated: 2023-05-23. Review status: criteria provided, single submitter. Criteria: Invitae Variant Classification Sherloc (09022015). Collection method: clinical testing. Allele origin: germline.
Comment: In summary, the available evidence is currently insufficient to determine the role of this variant in disease. Therefore, it has been classified as a Variant of Uncertain Significance. An algorithm developed to predict the effect of missense changes on protein structure and function (PolyPhen-2) suggests that this variant is likely to be tolerated. This variant has not been reported in the literature in individuals affected with HADHB-related conditions. This variant is present in population databases (no rsID available, gnomAD 0.007%). This sequence change replaces leucine, which is neutral and non-polar, with proline, which is neutral and non-polar, at codon 11 of the HADHB protein (p.Leu11Pro).

NM_000183.3(HADHB):c.32T>C (p.Leu11Pro)

Gene: HADHB (hydroxyacyl-CoA dehydrogenase trifunctional multienzyme complex subunit beta; plus strand). Cytogenetic location: 2p23.3.
Variant type: single nucleotide variant.
Coding change: c.32T>C on transcript NM_000183.3 (MANE Select); coding-DNA position 32, T replaced by C.
Protein change: p.Leu11Pro; replaces leucine 11 with proline.
Molecular consequence: missense variant. On other transcripts: 5 prime UTR variant (1).
Genome position (GRCh38, 1-based): chr2:26,254,286, T>C. VCF-style: chr2-26254286-T-C. GRCh37 (hg19) VCF-style: chr2-26477154-T-C.
Other names: c.32T>C, p.Leu11Pro (NM_001281512.2); c.-118T>C (NM_001281513.2); short protein forms L11P.
Identifiers: ClinVar variation 2991000 (VCV002991000.3), dbSNP rs973465081, ClinGen allele CA44371778.